The following is an entry in ClinVar:

ClinVar aggregate classification (germline): Likely pathogenic (1 of 4 stars; one submission).

Conditions:
Pontocerebellar hypoplasia type 2D (PCH2D). Also called: Progressive cerebello-cerebral atrophy. Identifiers: Orphanet 247198, Orphanet 2524, MedGen C3151140, MONDO:0013438, OMIM 613811.

Submission:

Natera, Inc.
Classification: Likely pathogenic for Pontocerebellar hypoplasia type 2d. Last evaluated: 2025-04-11. Review status: criteria provided, single submitter. Criteria: Natera Variant Classification Schema (03/2026). Collection method: clinical testing. Allele origin: germline.
Comment: The c.902C>A variant in SEPSECS is a nonsense variant predicted to introduce a stop codon at amino acid 301. This variant is expected to result in nonsense mediated decay, truncation, or a dysfunctional protein product. This variant is rare in the general population with a frequency below the threshold expected for the associated phenotype(s). Given the available evidence, this variant is classified as Likely Pathogenic.

NM_016955.4(SEPSECS):c.902C>A (p.Ser301Ter)

Gene: SEPSECS (Sep (O-phosphoserine) tRNA:Sec (selenocysteine) tRNA synthase; minus strand). Cytogenetic location: 4p15.2.
Variant type: single nucleotide variant.
Coding change: c.902C>A on transcript NM_016955.4 (MANE Select); coding-DNA position 902, C replaced by A.
Protein change: p.Ser301Ter; replaces serine 301 with a stop codon.
Molecular consequence: nonsense.
Genome position (GRCh38, 1-based): chr4:25,145,036, G>T on the plus strand (C>A on the coding strand, the complement: SEPSECS is on the minus strand). VCF-style: chr4-25145036-G-T. GRCh37 (hg19) VCF-style: chr4-25146658-G-T.
Other names: c.1157C>A, p.Ser386Ter (NM_001410714.1); short protein forms S301*, S386*.
Identifiers: ClinVar variation 4061253 (VCV004061253.2).